The following is an entry in ClinVar:

ClinVar aggregate classification (germline): Uncertain significance. Review status: criteria provided, multiple submitters, no conflicts (2 of 4 stars). 8 submissions from 8 submitters: Uncertain significance (7). 1 of the submissions does not count toward it. Last evaluated 2026-01-19.

Conditions:
Classic or attenuated familial adenomatous polyposis. Identifiers: MedGen CN372698, MONDO:0021057.
Hereditary cancer-predisposing syndrome. Also called: Hereditary neoplastic syndrome; Hereditary Cancer Syndrome; Neoplastic Syndromes, Hereditary; Tumor predisposition. Identifiers: Orphanet 140162, MedGen C0027672, MeSH D009386, MONDO:0015356.
Familial adenomatous polyposis 1 (FAP1). Also called: FAMILIAL ADENOMATOUS POLYPOSIS 1, ATTENUATED; POLYPOSIS, ADENOMATOUS INTESTINAL. Identifiers: MedGen C2713442, MONDO:0021056, OMIM 175100. Disease mechanism: loss of function.

Allele frequency attached by ClinVar (database versions not stated): ExAC 0.00002; TOPMed 0.00002; gnomAD 0.00003.
gnomAD v4.1: 14 of 1,613,974 alleles (0.00087%); highest among the groups gnomAD compares: South Asian, 0.0022%; no homozygotes.

Submissions (8):

Labcorp Genetics (formerly Invitae), Labcorp
Classification: Uncertain significance for Familial adenomatous polyposis 1. Last evaluated: 2026-01-19. Review status: criteria provided, single submitter. Criteria: Invitae Variant Classification Sherloc (09022015). Collection method: clinical testing. Allele origin: germline.
Comment: This sequence change replaces alanine, which is neutral and non-polar, with aspartic acid, which is acidic and polar, at codon 952 of the APC protein (p.Ala952Asp). This variant is present in population databases (rs776560257, gnomAD 0.003%). This variant has not been reported in the literature in individuals affected with APC-related conditions. ClinVar contains an entry for this variant (Variation ID: 236583). Invitae Evidence Modeling of protein sequence and biophysical properties (such as structural, functional, and spatial information, amino acid conservation, physicochemical variation, residue mobility, and thermodynamic stability) indicates that this missense variant is not expected to disrupt APC protein function with a negative predictive value of 95%. In summary, the available evidence is currently insufficient to determine the role of this variant in disease. Therefore, it has been classified as a Variant of Uncertain Significance.

Ambry Genetics
Classification: Uncertain significance for Hereditary cancer-predisposing syndrome. Last evaluated: 2024-05-17. Review status: criteria provided, single submitter. Criteria: Ambry Variant Classification Scheme 2023. Collection method: clinical testing. Allele origin: germline.
Comment: The p.A952D variant (also known as c.2855C>A), located in coding exon 15 of the APC gene, results from a C to A substitution at nucleotide position 2855. The alanine at codon 952 is replaced by aspartic acid, an amino acid with dissimilar properties. This amino acid position is not well conserved in available vertebrate species. In addition, in silico predictors for this gene do not accurately predict pathogenicity. Since supporting evidence is limited at this time, the clinical significance of this alteration remains unclear.

Color Diagnostics, LLC DBA Color Health
Classification: Uncertain significance for Hereditary cancer-predisposing syndrome. Last evaluated: 2024-04-29. Review status: criteria provided, single submitter. Criteria: ACMG Guidelines, 2015. Collection method: clinical testing. Allele origin: germline.
Comment: This missense variant replaces alanine with aspartic acid at codon 952 of the APC protein. Computational prediction suggests that this variant may not impact protein structure and function (internally defined REVEL score threshold <= 0.5, PMID: 27666373). To our knowledge, functional studies have not been reported for this variant. This variant has not been reported in individuals affected with APC-related disorders in the literature. This variant has been identified in 5/282206 chromosomes in the general population by the Genome Aggregation Database (gnomAD). The available evidence is insufficient to determine the role of this variant in disease conclusively. Therefore, this variant is classified as a Variant of Uncertain Significance.

All of Us Research Program, National Institutes of Health
Classification: Uncertain significance for Classic or attenuated familial adenomatous polyposis. Last evaluated: 2024-01-11. Review status: criteria provided, single submitter. Criteria: ACMG Guidelines, 2015. Collection method: clinical testing. Allele origin: germline. Inheritance: Autosomal dominant inheritance. Observed: 7 variant alleles, 7 heterozygotes.
Comment: This missense variant replaces alanine with aspartic acid at codon 952 of the APC protein. Computational prediction suggests that this variant may not impact protein structure and function (internally defined REVEL score threshold <= 0.5, PMID: 27666373). To our knowledge, functional studies have not been reported for this variant. This variant has not been reported in individuals affected with APC-related disorders in the literature. This variant has been identified in 5/282206 chromosomes in the general population by the Genome Aggregation Database (gnomAD). The available evidence is insufficient to determine the role of this variant in disease conclusively. Therefore, this variant is classified as a Variant of Uncertain Significance.

This study involves interpretation of variants in research participants for the purpose of population health screening. Participant phenotype was not available at the time of variant classification. Additional details can be found in publication PMID: 35346344, PMCID: PMC8962531

Baylor Genetics
Classification: Uncertain significance for Familial adenomatous polyposis 1. Last evaluated: 2023-09-22. Review status: criteria provided, single submitter. Criteria: ACMG Guidelines, 2015. Collection method: clinical testing. Allele origin: unknown.

GeneDx
Classification: Uncertain significance. Last evaluated: 2023-05-08. Review status: criteria provided, single submitter. Criteria: GeneDx Variant Classification Process June 2021. Collection method: clinical testing. Allele origin: germline. Affected: yes.
Comment: Has not been previously published as pathogenic or benign to our knowledge; Not observed at significant frequency in large population cohorts (gnomAD); In silico analysis supports that this missense variant does not alter protein structure/function

Myriad Genetics, Inc.
Classification: Uncertain significance for Familial adenomatous polyposis 1. Last evaluated: 2023-02-15. Review status: criteria provided, single submitter. Criteria: Myriad Autosomal Dominant, Autosomal Recessive and X-Linked Classification Criteria (2023). Collection method: clinical testing. Allele origin: unknown.
Comment: This variant is classified as a variant of uncertain significance as there is insufficient evidence to determine its impact on protein function and/or cancer risk.

Counsyl
Classification: Uncertain significance for Familial adenomatous polyposis 1. Last evaluated: 2017-01-25. Review status: no assertion criteria provided. Collection method: clinical testing. Allele origin: unknown. Not counted in ClinVar's aggregate classification.

NM_000038.6(APC):c.2855C>A (p.Ala952Asp)

Gene: APC (APC regulator of Wnt signaling pathway; plus strand). Cytogenetic location: 5q22.2.
Variant type: single nucleotide variant.
Coding change: c.2855C>A on transcript NM_000038.6 (MANE Select); coding-DNA position 2855, C replaced by A.
Protein change: p.Ala952Asp; replaces alanine 952 with aspartic acid.
Molecular consequence: missense variant.
Genome position (GRCh38, 1-based): chr5:112,838,449, C>A. VCF-style: chr5-112838449-C-A. GRCh37 (hg19) VCF-style: chr5-112174146-C-A.
Other names: c.2855C>A, p.Ala952Asp (NM_001127510.3, NM_001354895.2); c.2801C>A, p.Ala934Asp (NM_001127511.3); c.2909C>A, p.Ala970Asp (NM_001354896.2); c.2885C>A, p.Ala962Asp (NM_001354897.2); c.2780C>A, p.Ala927Asp (NM_001354898.2); c.2771C>A, p.Ala924Asp (NM_001354899.2); c.2732C>A, p.Ala911Asp (NM_001354900.2); c.2678C>A, p.Ala893Asp (NM_001354901.2); and 5 more; short protein forms A934D, A952D, A911D, A924D, A970D, A669D, A826D, A851D.
Identifiers: ClinVar variation 236583 (VCV000236583.24), dbSNP rs776560257, ClinGen allele CA033773.